The following is an entry in ClinVar:

ClinVar aggregate classification (germline): Likely pathogenic (1 of 4 stars; one submission).

Submission:

GeneDx
Classification: Likely pathogenic. Last evaluated: 2018-02-15. Review status: criteria provided, single submitter. Criteria: GeneDx Variant Classification (06012015). Collection method: clinical testing. Allele origin: germline. Affected: yes.
Comment: The c.8465-13_8467del16ins16 variant in the COL6A3 gene has not been reported previously as a pathogenic variant nor as a benign variant, to our knowledge. This variant results in the deletion of 16 nucleotides and the insertion of 16 nucleotides at the exon 13/intron 13 boundary, which destroys the canonical splice acceptor site in intron 13. This splice site variant is predicted to cause abnormal gene splicing resulting in an in-frame protein product with an abnormal message. However, in the absence of RNA/functional studies, the actual effect of c.8465-13_8467del16ins16 in this individual is unknown. The c.8465-13_8467del16ins16 variant is not observed in large population cohorts (Lek et al., 2016). We interpret c.8465-13_8467del16ins16 as a likely pathogenic variant.

NM_004369.4(COL6A3):c.8467=

Gene: COL6A3 (collagen type VI alpha 3 chain; minus strand). Cytogenetic location: 2q37.3.
Variant type: Indel.
Coding change: c.8467= on transcript NM_004369.4 (MANE Select); coding-DNA position 8467, no change from the reference sequence.
Molecular consequence: splice acceptor variant.
Genome position: GRCh38 VCF-style: chr2-237339115-CACCTAAAGAAAAAAA-CACCTAAAGAAAAAAA. GRCh37 (hg19) VCF-style: chr2-238247758-CACCTAAAGAAAAAAA-CACCTAAAGAAAAAAA.
Other names: c.6646= (NM_057166.5); c.7849= (NM_057167.4); c.8465-13_8467del16ins16 (NM_004369.3).
Identifiers: ClinVar variation 504370 (VCV000504370.1).